The following is an entry in ClinVar:

ClinVar aggregate classification (germline): Uncertain significance (1 of 4 stars; one submission).

Submission:

GeneDx
Classification: Uncertain significance. Last evaluated: 2014-03-18. Review status: criteria provided, single submitter. Criteria: GeneDx Variant Classification (06012015). Collection method: clinical testing. Allele origin: germline. Affected: yes.
Comment: This variant is denoted ATM c.1310T>C at the cDNA level, p.Met437Thr (M437T) at the protein level, and results in the change of a Methionine to a Threonine (ATG>ACG). This variant has not, to our knowledge, been published in the literature as pathogenic or benign. ATM Met437Thr was not observed in approximately 6,500 individuals of European and African American ancestry in the NHLBI Exome Sequencing Project, indicating it is not a common benign variant in these populations. Since Methionine and Threonine differ in polarity, charge, size or other properties, this is considered a non-conservative amino acid substitution and is likely to affect protein integrity. ATM Met437Thr occurs at a position that is moderately conserved across species and is not located in a known functional domain (UniProt, Tavtigian 2009). In silico analyses predict that this variant is unlikely to alter protein structure or function. Based on currently available information, it is unclear whether ATM Met437Thr is pathogenic or benign. We consider it to be a variant of uncertain significance.

NM_000051.4(ATM):c.1310T>C (p.Met437Thr)

Gene: ATM (ATM serine/threonine kinase; plus strand). Cytogenetic location: 11q22.3.
Variant type: single nucleotide variant.
Coding change: c.1310T>C on transcript NM_000051.4 (MANE Select); coding-DNA position 1310, T replaced by C.
Protein change: p.Met437Thr; replaces methionine 437 with threonine.
Molecular consequence: missense variant.
Genome position (GRCh38, 1-based): chr11:108,250,775, T>C. VCF-style: chr11-108250775-T-C. GRCh37 (hg19) VCF-style: chr11-108121502-T-C.
Other names: p.M437T:ATG>ACG; c.1310T>C, p.Met437Thr (NM_001351834.2); short protein forms M437T.
Identifiers: ClinVar variation 127336 (VCV000127336.2), dbSNP rs587779814, ClinGen allele CA286726.